The following is an entry in ClinVar:

ClinVar aggregate classification (germline): Likely benign (1 of 4 stars; one submission).

Allele frequency attached by ClinVar (database versions not stated): 1000 Genomes Project 0.00280; 1000 Genomes Project 30x 0.00281; gnomAD 0.00372 and 0.00403; TOPMed 0.00416.
gnomAD v4.1: 558 of 152,156 alleles (0.37%); highest among the groups gnomAD compares: African/African-American, 1.3%; 2 homozygotes.

Submission:

GeneDx
Classification: Likely benign. Last evaluated: 2018-06-14. Review status: criteria provided, single submitter. Criteria: GeneDx Variant Classification (06012015). Collection method: clinical testing. Allele origin: germline. Affected: yes.
Comment: This variant is considered likely benign or benign based on one or more of the following criteria: it is a conservative change, it occurs at a poorly conserved position in the protein, it is predicted to be benign by multiple in silico algorithms, and/or has population frequency not consistent with disease.

NM_016373.4(WWOX):c.792-222T>G

Gene: WWOX (WW domain containing oxidoreductase; plus strand). Cytogenetic location: 16q23.1.
Variant type: single nucleotide variant.
Coding change: c.792-222T>G on transcript NM_016373.4 (MANE Select); 222 bases into the intron before coding-DNA position 792, T replaced by G.
Molecular consequence: intron variant.
Genome position (GRCh38, 1-based): chr16:78,432,266, T>G. VCF-style: chr16-78432266-T-G. GRCh37 (hg19) VCF-style: chr16-78466163-T-G.
Other names: c.453-222T>G (NM_001291997.2).
Identifiers: ClinVar variation 677456 (VCV000677456.1), dbSNP rs113464111, ClinGen allele CA284546931.